The following is an entry in ClinVar:

NM_001100427.2(RAP1GDS1):c.1158A>C (p.Arg386Ser)

Gene: RAP1GDS1 (Rap1 GTPase-GDP dissociation stimulator 1; plus strand). Cytogenetic location: 4q23.
Variant type: single nucleotide variant.
Coding change: c.1158A>C on transcript NM_001100427.2 (MANE Select); coding-DNA position 1158, A replaced by C.
Protein change: p.Arg386Ser; replaces arginine 386 with serine.
Molecular consequence: missense variant.
Genome position (GRCh38, 1-based): chr4:98,418,775, A>C. VCF-style: chr4-98418775-A-C. GRCh37 (hg19) VCF-style: chr4-99339926-A-C.
Other names: c.1161A>C, p.Arg387Ser (NM_001100426.2, NM_021159.5); c.1014A>C, p.Arg338Ser (NM_001100428.2); c.1011A>C, p.Arg337Ser (NM_001100429.2); c.885A>C, p.Arg295Ser (NM_001100430.2); c.1158A>C (NM_001100427.1); short protein forms R295S, R337S, R338S, R386S, R387S.
Identifiers: ClinVar variation 2504929 (VCV002504929.3), dbSNP rs201334272, ClinGen allele CA3017278.
Genomic context (GRCh38, chr4:98,418,775, plus strand): 5'-GGACAGACATGTAGAAGATGGAAATGTAACAGTACAGCATGCAGCACTAAGTGCCCTCAG[A>C]AACCTGGCCATTCCAGGTAAGACTTAAGAATAGAAGGCAGCTGTGTACAAAATAAAATCC-3'
Protein context (NP_001093897.1, residues 376-396): TVQHAALSAL[Arg386Ser]NLAIPVINKA

ClinVar aggregate classification (germline): Conflicting classifications of pathogenicity. Review status: criteria provided, conflicting classifications (1 of 4 stars). 2 submissions from 2 submitters: Likely pathogenic (1); Uncertain significance (1). Last evaluated 2026-04-09.

Conditions:
RAP1GDS1-related disorder. Also called: RAP1GDS1-related condition.

Allele frequency attached by ClinVar (database versions not stated): gnomAD exomes 0.00002; ExAC 0.00003; gnomAD 0.00014; TOPMed 0.00040; 1000 Genomes Project 30x 0.00047; 1000 Genomes Project 0.00060.
gnomAD v4.1: 40 of 1,594,896 alleles (0.0025%); highest among the groups gnomAD compares: Admixed American, 0.057%; no homozygotes.

Submissions (2):

GeneDx
Classification: Likely pathogenic. Last evaluated: 2026-04-09. Review status: criteria provided, single submitter. Criteria: GeneDx Variant Classification Process June 2021. Collection method: clinical testing. Allele origin: germline.
Comment: In silico analysis supports that this missense variant has a deleterious effect on protein structure/function; Has not been previously published as pathogenic or benign to our knowledge

PreventionGenetics, part of Exact Sciences
Classification: Uncertain significance for RAP1GDS1-related condition. Last evaluated: 2025-10-28. Review status: criteria provided, single submitter. Criteria: ACMG Guidelines, 2015. Collection method: clinical testing. Allele origin: germline.
Comment: The RAP1GDS1 c.1158A>C variant is predicted to result in the amino acid substitution p.Arg386Ser. To our knowledge, this variant has not been reported in the literature. This variant is reported in 0.013% of alleles in individuals of Latino descent in gnomAD. At this time, the clinical significance of this variant is uncertain due to the absence of conclusive functional and genetic evidence.